The following is an entry in ClinVar:

ClinVar aggregate classification (germline): Uncertain significance. Review status: criteria provided, multiple submitters, no conflicts (2 of 4 stars). 3 submissions from 3 submitters: Uncertain significance (3). Last evaluated 2025-06-30.

Conditions:
Tuberous sclerosis 1 (TSC1). Identifiers: Orphanet 805, MedGen C1854465, MONDO:0008612, OMIM 191100.
Tuberous sclerosis syndrome (TSC). Also called: Tuberous Sclerosis Complex; Tuberous sclerosis. Identifiers: Orphanet 805, MedGen C0041341, MONDO:0001734.
Hereditary cancer-predisposing syndrome. Also called: Hereditary Cancer Syndrome; Tumor predisposition; Neoplastic Syndromes, Hereditary; Hereditary neoplastic syndrome. Identifiers: Orphanet 140162, MedGen C0027672, MeSH D009386, MONDO:0015356.

Allele frequency attached by ClinVar (database versions not stated): TOPMed below 0.00001.

Submissions (3):

Color Diagnostics, LLC DBA Color Health
Classification: Uncertain significance for Tuberous sclerosis syndrome. Last evaluated: 2025-06-30. Review status: criteria provided, single submitter. Criteria: ACMG Guidelines, 2015. Collection method: clinical testing. Allele origin: germline.
Comment: This missense variant replaces serine with tyrosine at codon 315 of the TSC1 protein. Computational prediction is inconclusive regarding the impact of this variant on protein structure and function. To our knowledge, functional studies have not been reported for this variant. This variant has not been reported in individuals affected with TSC1-related disorders in the literature. This variant has not been identified in the general population by the Genome Aggregation Database (gnomAD). The available evidence is insufficient to determine the role of this variant in disease conclusively. Therefore, this variant is classified as a Variant of Uncertain Significance.

Labcorp Genetics (formerly Invitae), Labcorp
Classification: Uncertain significance for Tuberous sclerosis 1. Last evaluated: 2024-11-21. Review status: criteria provided, single submitter. Criteria: Invitae Variant Classification Sherloc (09022015). Collection method: clinical testing. Allele origin: germline.
Comment: This sequence change replaces serine, which is neutral and polar, with tyrosine, which is neutral and polar, at codon 315 of the TSC1 protein (p.Ser315Tyr). This variant is not present in population databases (gnomAD no frequency). This variant has not been reported in the literature in individuals affected with TSC1-related conditions. ClinVar contains an entry for this variant (Variation ID: 3231337). Invitae Evidence Modeling of protein sequence and biophysical properties (such as structural, functional, and spatial information, amino acid conservation, physicochemical variation, residue mobility, and thermodynamic stability) indicates that this missense variant is not expected to disrupt TSC1 protein function with a negative predictive value of 95%. In summary, the available evidence is currently insufficient to determine the role of this variant in disease. Therefore, it has been classified as a Variant of Uncertain Significance.

Ambry Genetics
Classification: Uncertain significance for Hereditary cancer-predisposing syndrome. Last evaluated: 2023-09-21. Review status: criteria provided, single submitter. Criteria: Ambry Variant Classification Scheme 2023. Collection method: clinical testing. Allele origin: germline.
Comment: The p.S315Y variant (also known as c.944C>A), located in coding exon 8 of the TSC1 gene, results from a C to A substitution at nucleotide position 944. The serine at codon 315 is replaced by tyrosine, an amino acid with dissimilar properties. This amino acid position is conserved. In addition, the in silico prediction for this alteration is inconclusive. Since supporting evidence is limited at this time, the clinical significance of this alteration remains unclear.

NM_000368.5(TSC1):c.944C>A (p.Ser315Tyr)

Gene: TSC1 (TSC complex subunit 1; minus strand). Cytogenetic location: 9q34.13.
Variant type: single nucleotide variant.
Coding change: c.944C>A on transcript NM_000368.5 (MANE Select); coding-DNA position 944, C replaced by A.
Protein change: p.Ser315Tyr; replaces serine 315 with tyrosine.
Molecular consequence: missense variant. On other transcripts: 5 prime UTR variant (5), non-coding transcript variant (5).
Genome position (GRCh38, 1-based): chr9:132,911,538, G>T on the plus strand (C>A on the coding strand, the complement: TSC1 is on the minus strand). VCF-style: chr9-132911538-G-T. GRCh37 (hg19) VCF-style: chr9-135786925-G-T.
Other names: c.944C>A, p.Ser315Tyr (NM_001406607.1, NM_001406608.1, NM_001406609.1 and 16 more transcripts); c.791C>A, p.Ser264Tyr (NM_001406610.1, NM_001406611.1, NM_001406612.1 and 2 more transcripts); c.581C>A, p.Ser194Tyr (NM_001406614.1, NM_001406615.1, NM_001406616.1 and 10 more transcripts); c.-8C>A (NM_001406626.1, NM_001406627.1, NM_001406628.1); c.-150C>A (NM_001406629.1, NM_001406630.1); short protein forms S194Y, S264Y, S315Y.
Identifiers: ClinVar variation 3231337 (VCV003231337.4), dbSNP rs1332978347, ClinGen allele CA375368706.